The following is an entry in ClinVar:

ClinVar aggregate classification (germline): Uncertain significance. Review status: criteria provided, multiple submitters, no conflicts (2 of 4 stars). 2 submissions from 2 submitters: Uncertain significance (2). Last evaluated 2025-01-08.

Conditions:
Epidermodysplasia verruciformis. Identifiers: Orphanet 302, MedGen C0014522, MONDO:0009176.
Inborn genetic diseases. Identifiers: MedGen C0950123, MeSH D030342.

Allele frequency attached by ClinVar (database versions not stated): gnomAD exomes below 0.00001; gnomAD 0.00001; TOPMed 0.00006.
gnomAD v4.1: 5 of 1,613,194 alleles (0.00031%); highest among the groups gnomAD compares: Admixed American, 0.005%; no homozygotes.

Submissions (2):

Ambry Genetics
Classification: Uncertain significance for Inborn genetic diseases. Last evaluated: 2025-01-08. Review status: criteria provided, single submitter. Criteria: Ambry Variant Classification Scheme 2023. Collection method: clinical testing. Allele origin: germline.

Labcorp Genetics (formerly Invitae), Labcorp
Classification: Uncertain significance for Epidermodysplasia verruciformis. Last evaluated: 2023-12-22. Review status: criteria provided, single submitter. Criteria: Invitae Variant Classification Sherloc (09022015). Collection method: clinical testing. Allele origin: germline.
Comment: This sequence change replaces proline, which is neutral and non-polar, with leucine, which is neutral and non-polar, at codon 15 of the TMC6 protein (p.Pro15Leu). This variant is not present in population databases (gnomAD no frequency). This variant has not been reported in the literature in individuals affected with TMC6-related conditions. ClinVar contains an entry for this variant (Variation ID: 1000835). Algorithms developed to predict the effect of missense changes on protein structure and function output the following: SIFT: "Not Available"; PolyPhen-2: "Benign"; Align-GVGD: "Not Available". The leucine amino acid residue is found in multiple mammalian species, which suggests that this missense change does not adversely affect protein function. In summary, the available evidence is currently insufficient to determine the role of this variant in disease. Therefore, it has been classified as a Variant of Uncertain Significance.

NM_001127198.5(TMC6):c.44C>T (p.Pro15Leu)

Gene: TMC6 (transmembrane channel like 6; minus strand). Cytogenetic location: 17q25.3.
Variant type: single nucleotide variant.
Coding change: c.44C>T on transcript NM_001127198.5 (MANE Select); coding-DNA position 44, C replaced by T.
Protein change: p.Pro15Leu; replaces proline 15 with leucine.
Molecular consequence: missense variant.
Genome position (GRCh38, 1-based): chr17:78,126,789, G>A on the plus strand (C>T on the coding strand, the complement: TMC6 is on the minus strand). VCF-style: chr17-78126789-G-A. GRCh37 (hg19) VCF-style: chr17-76122870-G-A.
Other names: c.44C>T, p.Pro15Leu (NM_001321185.1, NM_001374593.1, NM_001374594.1 and 4 more transcripts); c.44C>T (NM_007267.6); short protein forms P15L.
Identifiers: ClinVar variation 1000835 (VCV001000835.6), dbSNP rs995338370, ClinGen allele CA294357011.